The following is an entry in ClinVar:

NM_005035.4(POLRMT):c.2225_2242del (p.Pro742_Pro747del)

Gene: POLRMT (RNA polymerase mitochondrial; minus strand). Cytogenetic location: 19p13.3.
Variant type: Deletion.
Coding change: c.2225_2242del on transcript NM_005035.4 (MANE Select); coding-DNA positions 2225 to 2242, 18 bases deleted (CCGAGGCCCACCTGCCGC).
Protein change: p.Pro742_Pro747del.
Molecular consequence: inframe deletion.
Genome position (GRCh38, 1-based): chr19:621,456-621,473, GCGGCAGGTGGGCCTCGG deleted on the plus strand (CCGAGGCCCACCTGCCGC on the coding strand, the reverse complement: POLRMT is on the minus strand); deleting any 18 consecutive bases within chr19:621,456-621,478 gives the same sequence; the c. name uses the placement nearest the transcript's 3' end. VCF-style (leftmost placement, unchanged base first): chr19-621455-TGCGGCAGGTGGGCCTCGG-T. GRCh37 (hg19) VCF-style: chr19-621455-TGCGGCAGGTGGGCCTCGG-T.
Other names: c.2225_2242del18 (NM_005035.4).
Identifiers: ClinVar variation 1341471 (VCV001341471.6), dbSNP rs748846799, ClinGen allele CA9020000.

ClinVar aggregate classification (germline): Conflicting classifications of pathogenicity. Review status: criteria provided, conflicting classifications (1 of 4 stars). 4 submissions from 4 submitters: Likely pathogenic (2); Uncertain significance (1). 1 of the submissions does not count toward it. Last evaluated 2025-10-03.

Conditions:
Combined oxidative phosphorylation deficiency 55 (COXPD55). Identifiers: MedGen C5676915, MONDO:0859228, OMIM 619743.

Submissions (4):

Women's Health and Genetics/Laboratory Corporation of America, LabCorp
Classification: Uncertain significance. Last evaluated: 2025-10-03. Review status: criteria provided, single submitter. Criteria: LabCorp Variant Classification Summary - May 2015. Collection method: clinical testing. Allele origin: germline.
Comment: Variant summary: POLRMT c.2225_2242del18 (p.Pro742_Pro747del) results in an in-frame deletion that is predicted to remove six amino acids from the encoded protein. The variant allele was found at a frequency of 0.00012 in 17200 control chromosomes. The available data on variant occurrences in the general population are insufficient to allow any conclusion about variant significance. c.2225_2242del18 has been reported in individuals affected with Mitochondrial disease (Olhov_2021). This report does not provide unequivocal conclusions about association of the variant with Combined Oxidative Phosphorylation Deficiency 55. To our knowledge, no experimental evidence demonstrating an impact on protein function has been reported. The following publication have been ascertained in the context of this evaluation (PMID: 33602924). ClinVar contains an entry for this variant (Variation ID: 1341471). Based on the evidence outlined above, the variant was classified as uncertain significance.

Revvity Omics, Revvity
Classification: Likely pathogenic for Combined oxidative phosphorylation deficiency 55. Last evaluated: 2023-12-07. Review status: criteria provided, single submitter. Criteria: ACMG Guidelines, 2015. Collection method: clinical testing. Allele origin: germline.

Neuberg Centre For Genomic Medicine, NCGM
Classification: Likely pathogenic for Combined oxidative phosphorylation deficiency 55. Last evaluated: 2023-01-24. Review status: criteria provided, single submitter. Criteria: ACMG Guidelines, 2015. Collection method: clinical testing. Allele origin: germline. Inheritance: Autosomal recessive inheritance. Affected: yes.
Comment: The inframe deletion c.2225_2242del (p.Pro742_Pro747del) variant in POLRMT gene has been previously reported in compound heterozyous state in an individual affected with POLRMT-associated disorder (Oláhová et al. 2021). In-vivo studies show that this variant, in combination another variant [c.748C > G | p.His250Asp] in trans, leads to mild reduction in gene transcription expression of 30% (Oláhová et al. 2021). The p.Pro742_Pro747del variant is reported with an allele frequency of 0.001% in the gnomAD exomes database and is novel (not in any individuals) in 1000 Genomes database. This variant has been reported to the ClinVar database as Pathogenic, but not details are available for independant assessment. This p.Pro742_Pro747del causes deletion of amino acid Proline at position 742 to Proline at position 747. Additional studies will be required to prove the pathogenicity of this variant. For these reasons, this variant has been classified as Likely Pathogenic.

OMIM
Classification: Pathogenic for COMBINED OXIDATIVE PHOSPHORYLATION DEFICIENCY 55. Last evaluated: 2022-02-21. Review status: no assertion criteria provided. Collection method: literature only. Allele origin: germline. Not counted in ClinVar's aggregate classification.

Literature cited by the submitters: PubMed 33602924 (cited by Women's Health and Genetics/Laboratory Corporation of America, LabCorp and OMIM).